The following is an entry in ClinVar:

ClinVar aggregate classification (germline): Benign/Likely benign. Review status: criteria provided, multiple submitters, no conflicts (2 of 4 stars). 2 submissions from 2 submitters: Benign (1); Likely benign (1). Last evaluated 2026-02-01.

Conditions:
Fetal akinesia deformation sequence 1 (FADS1). Also called: Pena-Shokeir syndrome type I; Fetal akinesia sequence. Identifiers: Orphanet 994, MedGen C1276035, MONDO:0100101, OMIM 208150, HP:0001989.
Congenital myasthenic syndrome 10. Also called: Myasthenia, limb-girdle, familial. Identifiers: Orphanet 590, MedGen C1850792, MONDO:0009690, OMIM 254300.

Allele frequency attached by ClinVar (database versions not stated): 1000 Genomes Project 30x 0.00781.

Submissions (2):

Labcorp Genetics (formerly Invitae), Labcorp
Classification: Likely benign for Congenital myasthenic syndrome 10; Fetal akinesia deformation sequence 1. Last evaluated: 2026-02-01. Review status: criteria provided, single submitter. Criteria: Invitae Variant Classification Sherloc (09022015). Collection method: clinical testing. Allele origin: germline.

Mayo Clinic Laboratories, Mayo Clinic
Classification: Benign. Last evaluated: 2023-01-12. Review status: criteria provided, single submitter. Criteria: ACMG Guidelines, 2015. Collection method: clinical testing. Allele origin: germline. Observed: 10 variant alleles.
Comment: BS1, BS2

NM_173660.5(DOK7):c.54+25_54+26insC

Gene: DOK7 (docking protein 7; plus strand). Cytogenetic location: 4p16.3.
Variant type: Insertion.
Coding change: c.54+25_54+26insC on transcript NM_173660.5 (MANE Select); bases 25 to 26 of the intron after coding-DNA position 54, C inserted.
Molecular consequence: intron variant.
Genome position: GRCh38 VCF-style: chr4-3463454-G-GC. GRCh37 (hg19) VCF-style: chr4-3465181-G-GC.
Other names: p.?; c.54+25_54+26insC (NM_001301071.2, NM_001363811.2, NM_001164673.2).
Identifiers: ClinVar variation 1081805 (VCV001081805.10), dbSNP rs767285554, ClinGen allele CA2828833.